The following is an entry in ClinVar:

NM_007294.4(BRCA1):c.1287A>G (p.Ile429Met)

Gene: BRCA1 (BRCA1 DNA repair associated; minus strand). Cytogenetic location: 17q21.31.
Variant type: single nucleotide variant.
Coding change: c.1287A>G on transcript NM_007294.4 (MANE Select); coding-DNA position 1287, A replaced by G.
Protein change: p.Ile429Met; replaces isoleucine 429 with methionine.
Molecular consequence: missense variant. On other transcripts: intron variant (137).
Genome position (GRCh38, 1-based): chr17:43,094,244, T>C on the plus strand (A>G on the coding strand, the complement: BRCA1 is on the minus strand). VCF-style: chr17-43094244-T-C. GRCh37 (hg19) VCF-style: chr17-41246261-T-C.
Other names: c.574+500A>G (NM_001408491.1, NM_001408493.1, NM_001408490.1); c.460+1602A>G (NM_001408506.1, NM_001408507.1); c.577+500A>G (NM_001408481.1, NM_001408480.1, NM_001408489.1 and 9 more transcripts); c.778+500A>G (NM_001408408.1); c.661+500A>G (NM_001408446.1, NM_001408435.1, NM_001408445.1 and 6 more transcripts); c.784+500A>G (NM_001408401.1, NM_001408396.1, NM_001407985.1 and 13 more transcripts); c.548-3212A>G (NM_001408494.1); c.664+500A>G (NM_001408444.1, NM_001408438.1, NM_001408430.1 and 12 more transcripts); and 40 more; short protein forms I261M, I301M, I302M, I359M, I382M, I402M, I403M, I428M.
Identifiers: ClinVar variation 2101403 (VCV002101403.6), dbSNP rs2552218030, ClinGen allele CA10599481.

ClinVar aggregate classification (germline): Conflicting classifications of pathogenicity. Review status: criteria provided, conflicting classifications (1 of 4 stars). 2 submissions from 2 submitters: Uncertain significance (1); Likely benign (1). Last evaluated 2023-03-23.

Conditions:
Hereditary breast ovarian cancer syndrome. Also called: Hereditary breast and ovarian cancer; Hereditary breast and ovarian cancer syndrome; Breast and ovarian cancer; BRCA1- and BRCA2-Associated Hereditary Breast and Ovarian Cancer; Hereditary breast and/or ovarian cancer syndrome; Hereditary breast and ovarian cancer syndrome (HBOC). Identifiers: Orphanet 145, MedGen C0677776, MeSH D061325, MONDO:0003582. Disease mechanism: loss of function.
Hereditary cancer-predisposing syndrome. Also called: Hereditary Cancer Syndrome; Tumor predisposition; Neoplastic Syndromes, Hereditary; Hereditary neoplastic syndrome. Identifiers: Orphanet 140162, MedGen C0027672, MeSH D009386, MONDO:0015356.

Submissions (2):

University of Washington Department of Laboratory Medicine, University of Washington
Classification: Likely benign for Hereditary cancer-predisposing syndrome. Last evaluated: 2023-03-23. Review status: criteria provided, single submitter. Criteria: Dines et al. (Genet Med. 2020). Collection method: curation. Allele origin: germline.
Comment: Missense variant in a coldspot region where missense variants are very unlikely to be pathogenic (PMID:31911673).

BRCA1 coldspot (exon 11 using historical exon numbering). Reclassification based on statistical prior probability

Labcorp Genetics (formerly Invitae), Labcorp
Classification: Uncertain significance for Hereditary breast ovarian cancer syndrome. Last evaluated: 2022-02-22. Review status: criteria provided, single submitter. Criteria: Invitae Variant Classification Sherloc (09022015). Collection method: clinical testing. Allele origin: germline.
Comment: This sequence change replaces isoleucine, which is neutral and non-polar, with methionine, which is neutral and non-polar, at codon 429 of the BRCA1 protein (p.Ile429Met). This variant is not present in population databases (gnomAD no frequency). In summary, the available evidence is currently insufficient to determine the role of this variant in disease. Therefore, it has been classified as a Variant of Uncertain Significance. Advanced modeling of protein sequence and biophysical properties (such as structural, functional, and spatial information, amino acid conservation, physicochemical variation, residue mobility, and thermodynamic stability) performed at Invitae indicates that this missense variant is not expected to disrupt BRCA1 protein function. This variant has not been reported in the literature in individuals affected with BRCA1-related conditions.